The following is an entry in ClinVar:

NM_001079668.3(NKX2-1):c.733A>T (p.Lys245Ter)

Genes: NKX2-1 (NK2 homeobox 1; minus strand), SFTA3 (surfactant associated 3; minus strand). Cytogenetic location: 14q13.3.
Variant type: single nucleotide variant.
Coding change: c.733A>T on transcript NM_001079668.3 (MANE Select); coding-DNA position 733, A replaced by T.
Protein change: p.Lys245Ter; replaces lysine 245 with a stop codon.
Molecular consequence: nonsense.
Genome position (GRCh38, 1-based): chr14:36,517,751, T>A on the plus strand (A>T on the coding strand, the complement: NKX2-1 is on the minus strand). VCF-style: chr14-36517751-T-A. GRCh37 (hg19) VCF-style: chr14-36986956-T-A.
Other names: c.643A>T, p.Lys215Ter (NM_003317.4); short protein forms K215*, K245*.
Identifiers: ClinVar variation 1809776 (VCV001809776.1), dbSNP rs2502628432, ClinGen allele CA389459164.

ClinVar aggregate classification (germline): Likely pathogenic (1 of 4 stars; one submission).

Submission:

Athena Diagnostics
Classification: Likely pathogenic. Last evaluated: 2020-02-19. Review status: criteria provided, single submitter. Criteria: Athena Diagnostics Criteria. Collection method: clinical testing. Allele origin: unknown.
Comment: This variant creates a premature translational stop signal in the NKX2-1 gene and is expected to result in the loss of a functional protein. Nonsense and frameshift variants downstream of this variant have been identified in affected individuals and reported as pathogenic and/or likely pathogenic, which suggests this region is important for protein function (PMID: 29569581, 28503612, 16220345). Familial data suggests that pathogenic variants in the NKX2-1 gene have variable penetrance, and a case has been reported in which a nonsense variant identified in an affected child was inherited from their unaffected parent (PMID: 23997037). This variant has not been reported in large, multi-ethnic general populations.This observation is not an independent occurrence and has been identified in the same individual by RCIGM, the other laboratory participating in the GEMINI study.